The following is an entry in ClinVar:

NM_006494.4(ERF):c.840G>A (p.Ser280=)

Gene: ERF (ETS2 repressor factor; minus strand). Cytogenetic location: 19q13.2.
Variant type: single nucleotide variant.
Coding change: c.840G>A on transcript NM_006494.4 (MANE Select); coding-DNA position 840, G replaced by A.
Protein change: p.Ser280=; no amino-acid change (serine 280 retained).
Molecular consequence: synonymous variant.
Genome position (GRCh38, 1-based): chr19:42,249,272, C>T on the plus strand (G>A on the coding strand, the complement: ERF is on the minus strand). VCF-style: chr19-42249272-C-T. GRCh37 (hg19) VCF-style: chr19-42753424-C-T.
Other names: c.615G>A, p.Ser205= (NM_001301035.2, NM_001308402.2, NM_001312656.2).
Identifiers: ClinVar variation 476629 (VCV000476629.13), dbSNP rs145699948, ClinGen allele CA9471317.

ClinVar aggregate classification (germline): Benign. Review status: criteria provided, single submitter (1 of 4 stars). 2 submissions from 2 submitters: Benign (1). 1 of the submissions does not count toward it. Last evaluated 2023-10-13.

Conditions:
TWIST1-related craniosynostosis (CRS1). Also called: CRANIOSYNOSTOSIS 1. Identifiers: Orphanet 63440, MedGen C4551902, MONDO:0007399, OMIM 123100. Inheritance: Heterogenous inheritance pattern.
ERF-related disorder. Also called: ERF-related condition; ERF-related disorders.

Allele frequency attached by ClinVar (database versions not stated): gnomAD exomes 0.00037 and 0.00081; gnomAD 0.00049 and 0.00053; TOPMed 0.00051; ExAC 0.00061; ESP Exome Variant Server 0.00093.

Submissions (2):

Labcorp Genetics (formerly Invitae), Labcorp
Classification: Benign for TWIST1-related craniosynostosis. Last evaluated: 2023-10-13. Review status: criteria provided, single submitter. Criteria: Invitae Variant Classification Sherloc (09022015). Collection method: clinical testing. Allele origin: germline.

PreventionGenetics, part of Exact Sciences
Classification: Likely benign for ERF-related condition. Last evaluated: 2019-11-08. Review status: no assertion criteria provided. Collection method: clinical testing. Allele origin: germline. Not counted in ClinVar's aggregate classification.
Comment: This variant is classified as likely benign based on ACMG/AMP sequence variant interpretation guidelines (Richards et al. 2015 PMID: 25741868, with internal and published modifications).